The following is an entry in ClinVar:

NM_152564.5(VPS13B):c.9639A>G (p.Glu3213=)

Gene: VPS13B (vacuolar protein sorting 13 homolog B; plus strand). Cytogenetic location: 8q22.2.
Variant type: single nucleotide variant.
Coding change: c.9639A>G on transcript NM_152564.5 (MANE Select); coding-DNA position 9639, A replaced by G.
Protein change: p.Glu3213=; no amino-acid change (glutamic acid 3213 retained).
Molecular consequence: synonymous variant.
Genome position (GRCh38, 1-based): chr8:99,835,221, A>G. VCF-style: chr8-99835221-A-G. GRCh37 (hg19) VCF-style: chr8-100847449-A-G.
Other names: c.9714A>G, p.Glu3238= (NM_017890.5).
Identifiers: ClinVar variation 3352311 (VCV003352311.1).

ClinVar aggregate classification (germline): Likely benign (0 of 4 stars; one submission).

Conditions:
VPS13B-related disorder. Also called: VPS13B-related condition.

gnomAD v4.1: 5 of 1,613,920 alleles (0.00031%); highest among the groups gnomAD compares: Non-Finnish European, 0.00017%; no homozygotes.

Submission:

PreventionGenetics, part of Exact Sciences
Classification: Likely benign for VPS13B-related condition. Last evaluated: 2021-09-22. Review status: no assertion criteria provided. Collection method: clinical testing. Allele origin: germline.
Comment: This variant is classified as likely benign based on ACMG/AMP sequence variant interpretation guidelines (Richards et al. 2015 PMID: 25741868, with internal and published modifications).